The following is an entry in ClinVar:

ClinVar aggregate classification (germline): Uncertain significance (1 of 4 stars; one submission).

Conditions:
Baller-Gerold syndrome (BGS). Also called: CRANIOSYNOSTOSIS WITH RADIAL DEFECTS. Identifiers: Orphanet 1225, MedGen C0265308, MONDO:0009039, OMIM 218600.

Allele frequency attached by ClinVar (database versions not stated): gnomAD exomes below 0.00001.
gnomAD v4.1: 4 of 1,609,092 alleles (0.00025%); highest among the groups gnomAD compares: Non-Finnish European, 0.00034%; no homozygotes.

Submission:

Labcorp Genetics (formerly Invitae), Labcorp
Classification: Uncertain significance for Baller-Gerold syndrome. Last evaluated: 2022-11-01. Review status: criteria provided, single submitter. Criteria: Invitae Variant Classification Sherloc (09022015). Collection method: clinical testing. Allele origin: germline.
Comment: This variant has not been reported in the literature in individuals affected with RECQL4-related conditions. This sequence change replaces histidine, which is basic and polar, with tyrosine, which is neutral and polar, at codon 725 of the RECQL4 protein (p.His725Tyr). This variant is not present in population databases (gnomAD no frequency). ClinVar contains an entry for this variant (Variation ID: 1487739). Advanced modeling of protein sequence and biophysical properties (such as structural, functional, and spatial information, amino acid conservation, physicochemical variation, residue mobility, and thermodynamic stability) performed at Invitae indicates that this missense variant is not expected to disrupt RECQL4 protein function. Algorithms developed to predict the effect of sequence changes on RNA splicing suggest that this variant may create or strengthen a splice site. In summary, the available evidence is currently insufficient to determine the role of this variant in disease. Therefore, it has been classified as a Variant of Uncertain Significance.

NM_004260.4(RECQL4):c.2173C>T (p.His725Tyr)

Gene: RECQL4 (RecQ like helicase 4; minus strand). Cytogenetic location: 8q24.3.
Variant type: single nucleotide variant.
Coding change: c.2173C>T on transcript NM_004260.4 (MANE Select); coding-DNA position 2173, C replaced by T.
Protein change: p.His725Tyr; replaces histidine 725 with tyrosine.
Molecular consequence: missense variant.
Genome position (GRCh38, 1-based): chr8:144,513,598, G>A on the plus strand (C>T on the coding strand, the complement: RECQL4 is on the minus strand). VCF-style: chr8-144513598-G-A. GRCh37 (hg19) VCF-style: chr8-145738982-G-A.
Other names: short protein forms H725Y.
Identifiers: ClinVar variation 1487739 (VCV001487739.6), dbSNP rs1827661449, ClinGen allele CA372679652.